The following is an entry in ClinVar:

NM_000016.6(ACADM):c.168del (p.Arg57fs)

Gene: ACADM (acyl-CoA dehydrogenase medium chain; plus strand). Cytogenetic location: 1p31.1.
Variant type: Deletion.
Coding change: c.168del on transcript NM_000016.6 (MANE Select); coding-DNA position 168, one base deleted (C; older notation c.168delC).
Protein change: p.Arg57fs; shifts the reading frame from arginine 57.
Molecular consequence: frameshift variant. On other transcripts: 5 prime UTR variant (1).
Genome position (GRCh38, 1-based): chr1:75,732,693, C deleted; the last of 2 consecutive C bases (chr1:75,732,692-75,732,693); deleting either gives the same sequence. VCF-style (leftmost placement, unchanged base first): chr1-75732691-GC-G. GRCh37 (hg19) VCF-style: chr1-76198376-GC-G.
Other names: c.180del, p.Arg61fs (NM_001127328.3); c.60del, p.Arg21fs (NM_001286042.2); c.168del, p.Arg57fs (NM_001286043.2); c.-218del (NM_001286044.2); short protein forms R61fs, R21fs, R57fs.
Identifiers: ClinVar variation 1451991 (VCV001451991.6), dbSNP rs2100362712, ClinGen allele CA2573132601.

ClinVar aggregate classification (germline): Pathogenic (1 of 4 stars; one submission).

Conditions:
Medium-chain acyl-coenzyme A dehydrogenase deficiency (ACADMD). Also called: MCADH DEFICIENCY; Medium chain acyl-CoA dehydrogenase deficiency; MCAD Deficiency; ACADM DEFICIENCY; MCADD; CARNITINE DEFICIENCY SECONDARY TO MEDIUM-CHAIN ACYL-CoA DEHYDROGENASE DEFICIENCY. Identifiers: Orphanet 42, MedGen C0220710, MONDO:0008721, OMIM 201450.

Submission:

Labcorp Genetics (formerly Invitae), Labcorp
Classification: Pathogenic for Medium-chain acyl-coenzyme A dehydrogenase deficiency. Last evaluated: 2023-06-29. Review status: criteria provided, single submitter. Criteria: Invitae Variant Classification Sherloc (09022015). Collection method: clinical testing. Allele origin: germline.
Comment: This variant has not been reported in the literature in individuals affected with ACADM-related conditions. This variant is not present in population databases (gnomAD no frequency). This sequence change creates a premature translational stop signal (p.Arg57Glufs*21) in the ACADM gene. It is expected to result in an absent or disrupted protein product. Loss-of-function variants in ACADM are known to be pathogenic (PMID: 16121256, 20434380). For these reasons, this variant has been classified as Pathogenic. ClinVar contains an entry for this variant (Variation ID: 1451991).

Literature cited by the submitters: PubMed 16121256; PubMed 20434380.